The following is an entry in ClinVar:

NM_144736.5(NDUFAF7):c.1235_1236del (p.Arg412fs)

Gene: NDUFAF7 (NADH:ubiquinone oxidoreductase complex assembly factor 7; plus strand). Cytogenetic location: 2p22.2.
Variant type: Microsatellite.
Coding change: c.1235_1236del on transcript NM_144736.5 (MANE Select); coding-DNA positions 1235 to 1236, 2 bases deleted (GA; older notation c.1235_1236delGA).
Protein change: p.Arg412fs; shifts the reading frame from arginine 412.
Molecular consequence: frameshift variant. On other transcripts: non-coding transcript variant (10).
Genome position (GRCh38, 1-based): chr2:37,248,259-37,248,260, GA deleted; deleting any 2 consecutive bases within chr2:37,248,256-37,248,260 gives the same sequence; the c. name uses the placement nearest the transcript's 3' end. VCF-style (leftmost placement, unchanged base first): chr2-37248255-CAG-C. GRCh37 (hg19) VCF-style: chr2-37475398-CAG-C.
Other names: c.941_942del, p.Arg314fs (NM_001083946.2); c.1022_1023del, p.Arg341fs (NM_001350027.2); short protein forms R314fs, R412fs, R341fs.
Identifiers: ClinVar variation 4759725 (VCV004759725.1).

ClinVar aggregate classification (germline): Uncertain significance (1 of 4 stars; one submission).

Submission:

Labcorp Genetics (formerly Invitae), Labcorp
Classification: Uncertain significance. Last evaluated: 2025-06-19. Review status: criteria provided, single submitter. Criteria: Invitae Variant Classification Sherloc (09022015). Collection method: clinical testing. Allele origin: germline.
Comment: This sequence change creates a premature translational stop signal (p.Arg314Thrfs*24) in the NDUFAF7 gene. While this is not anticipated to result in nonsense mediated decay, it is expected to disrupt the last 30 amino acid(s) of the NDUFAF7 protein. This variant is present in population databases (rs758561305, gnomAD 0.01%). This variant has not been reported in the literature in individuals affected with NDUFAF7-related conditions. Experimental studies and prediction algorithms are not available or were not evaluated, and the functional significance of this variant is currently unknown. In summary, the available evidence is currently insufficient to determine the role of this variant in disease. Therefore, it has been classified as a Variant of Uncertain Significance.